The following is an entry in ClinVar:

ClinVar aggregate classification (germline): Likely benign (1 of 4 stars; one submission).

Allele frequency attached by ClinVar (database versions not stated): gnomAD exomes below 0.00001.

Submission:

CeGaT Center for Human Genetics Tuebingen
Classification: Likely benign. Last evaluated: 2023-08-01. Review status: criteria provided, single submitter. Criteria: CeGaT Center For Human Genetics Tuebingen Variant Classification Criteria Version 2. Collection method: clinical testing. Allele origin: germline. Affected: yes. Observed: 1 variant allele.
Comment: KIR2DL4: BP4, BP7

NM_001080770.2(KIR2DL4):c.555T>C (p.Gly185=)

Gene: KIR2DL4 (killer cell immunoglobulin like receptor, two Ig domains and long cytoplasmic tail 4). Cytogenetic location: 19q13.42.
Variant type: single nucleotide variant.
Coding change: c.555T>C on transcript NM_001080770.2 (MANE Select); coding-DNA position 555, T replaced by C.
Protein change: p.Gly185=; no amino-acid change (glycine 185 retained).
Molecular consequence: synonymous variant.
Genome position (GRCh38, 1-based): chr19:54,806,144, T>C. VCF-style: chr19-54806144-T-C. GRCh37 (hg19) VCF-style: chr19-55317599-T-C.
Other names: c.555T>C, p.Gly185= (NM_001080772.2).
Identifiers: ClinVar variation 2650478 (VCV002650478.24), dbSNP rs1176629388, ClinGen allele CA883694515.
Genomic context (GRCh38, chr19:54,806,144, plus strand): 5'-ACTTAGGCTCCCTGCAGTGCCCAGCATCAATGGAACATTCCAGGCCGACTTCCCTCTGGG[T>C]CCTGCCACCCACGGAGAGACCTACAGATGCTTCGGCTCTTTCCATGGATCTCCCTACGAG-3'
Protein context (NP_001074239.1, residues 175-195): NGTFQADFPL[Gly185=]PATHGETYRC